The following is an entry in ClinVar:

ClinVar aggregate classification (germline): Uncertain significance (1 of 4 stars; one submission).

Submission:

Ambry Genetics
Classification: Uncertain significance. Last evaluated: 2026-04-04. Review status: criteria provided, single submitter. Criteria: Ambry Variant Classification Scheme 2023. Collection method: clinical testing. Allele origin: germline.
Comment: The p.V476L variant (also known as c.1426G>C), located in coding exon 8 of the ATRIP gene, results from a G to C substitution at nucleotide position 1426. The valine at codon 476 is replaced by leucine, an amino acid with highly similar properties. This amino acid position is conserved. In addition, this alteration is predicted to be tolerated by in silico analysis. Based on the available evidence, the clinical significance of this variant remains unclear.

NM_130384.3(ATRIP):c.1426G>C (p.Val476Leu)

Genes: ATRIP (ATR interacting protein; plus strand), ATRIP-TREX1 (ATRIP-TREX1 readthrough; plus strand). Cytogenetic location: 3p21.31.
Variant type: single nucleotide variant.
Coding change: c.1426G>C on transcript NM_130384.3 (MANE Select); coding-DNA position 1426, G replaced by C.
Protein change: p.Val476Leu; replaces valine 476 with leucine.
Molecular consequence: missense variant. On other transcripts: non-coding transcript variant (1).
Genome position (GRCh38, 1-based): chr3:48,460,480, G>C. VCF-style: chr3-48460480-G-C. GRCh37 (hg19) VCF-style: chr3-48501879-G-C.
Other names: c.1045G>C, p.Val349Leu (NM_001271022.2); c.1147G>C, p.Val383Leu (NM_001271023.2); c.1426G>C, p.Val476Leu (NM_032166.4); short protein forms V349L, V383L, V476L.
Identifiers: ClinVar variation 4867206 (VCV004867206.1).